The following is an entry in ClinVar:

NM_198450.6(APOOL):c.584C>G (p.Pro195Arg)

Gene: APOOL (apolipoprotein O like; plus strand). Cytogenetic location: Xq21.1.
Variant type: single nucleotide variant.
Coding change: c.584C>G on transcript NM_198450.6 (MANE Select); coding-DNA position 584, C replaced by G.
Protein change: p.Pro195Arg; replaces proline 195 with arginine.
Molecular consequence: missense variant.
Genome position (GRCh38, 1-based): chrX:85,074,095, C>G. VCF-style: chrX-85074095-C-G. GRCh37 (hg19) VCF-style: chrX-84329101-C-G.
Other names: short protein forms P195R.
Identifiers: ClinVar variation 2660999 (VCV002660999.24), dbSNP rs201017526, ClinGen allele CA10464152.

ClinVar aggregate classification (germline): Likely benign (1 of 4 stars; one submission).

Allele frequency attached by ClinVar (database versions not stated): gnomAD exomes 0.00007; 1000 Genomes Project 0.00053; 1000 Genomes Project 30x 0.00062; ExAC 0.00075; TOPMed 0.00076; gnomAD 0.00080; ESP Exome Variant Server 0.00139.
gnomAD v4.1: 159 of 1,162,364 alleles (0.014%); highest among the groups gnomAD compares: African/African-American, 0.27%; no homozygotes.

Submission:

CeGaT Center for Human Genetics Tuebingen
Classification: Likely benign. Last evaluated: 2022-09-01. Review status: criteria provided, single submitter. Criteria: CeGaT Center For Human Genetics Tuebingen Variant Classification Criteria Version 2. Collection method: clinical testing. Allele origin: germline. Affected: yes. Observed: 1 variant allele.
Comment: APOOL: BP4